The following is an entry in ClinVar:

NM_130839.5(UBE3A):c.20+460T>G

Genes: SNHG14 (small nucleolar RNA host gene 14; plus strand), UBE3A (ubiquitin protein ligase E3A; minus strand). Cytogenetic location: 15q11.2.
Variant type: single nucleotide variant.
Coding change: c.20+460T>G on transcript NM_130839.5 (MANE Select); 460 bases into the intron after coding-DNA position 20, T replaced by G.
Molecular consequence: intron variant. On other transcripts: missense variant (1), 5 prime UTR variant (7).
Genome position (GRCh38, 1-based): chr15:25,408,628, A>C on the plus strand (T>G on the coding strand, the complement: UBE3A is on the minus strand). VCF-style: chr15-25408628-A-C. GRCh37 (hg19) VCF-style: chr15-25653775-A-C.
Other names: c.21T>G, p.Cys7Trp (NM_000462.5); c.-120T>G (NM_001354506.2); c.-293T>G (NM_001354509.2); c.-245T>G (NM_001354526.1, NM_001354541.2); c.-195T>G (NM_001354543.2); c.-211T>G (NM_001354544.2); c.-1602T>G (NM_001374461.1); c.-116+29861T>G (NM_001354546.2); and 8 more; short protein forms C7W.
Identifiers: ClinVar variation 5008944 (VCV005008944.1).
Genomic context (GRCh38, chr15:25,408,628, plus strand): 5'-CCACTAATCTGAATACTGCAGCATGAGCTAGCAAATTCAAATGGTGGCTCACTTCCAATA[A>C]CACTGGTGCAGCTTCTCCATCCTGCAAGCCACTCCTTTTACCTCCACTGTAACTCTCTAG-3'

ClinVar aggregate classification (germline): Uncertain significance (1 of 4 stars; one submission).

Submission:

GeneDx
Classification: Uncertain significance. Last evaluated: 2026-02-19. Review status: criteria provided, single submitter. Criteria: GeneDx Variant Classification Process June 2021. Collection method: clinical testing. Allele origin: germline.
Comment: Not observed at significant frequency in large population cohorts (gnomAD); In silico analysis suggests that this missense variant does not alter protein structure/function; Has not been previously published as pathogenic or benign to our knowledge; In silico analysis is inconclusive as to whether the variant alters gene splicing. In the absence of RNA/functional studies, the actual effect of this sequence change is unknown.; Reported using an alternate transcript of the gene